The following is an entry in ClinVar:

ClinVar aggregate classification (germline): Uncertain significance (1 of 4 stars; one submission).

Conditions:
Hereditary cancer-predisposing syndrome. Also called: Tumor predisposition; Neoplastic Syndromes, Hereditary; Hereditary neoplastic syndrome; Hereditary Cancer Syndrome. Identifiers: Orphanet 140162, MedGen C0027672, MeSH D009386, MONDO:0015356.

Submission:

Ambry Genetics
Classification: Uncertain significance for Hereditary cancer-predisposing syndrome. Last evaluated: 2025-08-27. Review status: criteria provided, single submitter. Criteria: Ambry Variant Classification Scheme 2023. Collection method: clinical testing. Allele origin: germline.
Comment: The p.K361N variant (also known as c.1083G>C), located in coding exon 12 of the MUTYH gene, results from a G to C substitution at nucleotide position 1083. The lysine at codon 361 is replaced by asparagine, an amino acid with similar properties. This amino acid position is conserved. In addition, the in silico prediction for this alteration is inconclusive. Based on the available evidence, the clinical significance of this variant remains unclear.

NM_001048174.2(MUTYH):c.999G>C (p.Lys333Asn)

Gene: MUTYH (mutY DNA glycosylase; minus strand). Cytogenetic location: 1p34.1.
Variant type: single nucleotide variant.
Coding change: c.999G>C on transcript NM_001048174.2 (MANE Select); coding-DNA position 999, G replaced by C.
Protein change: p.Lys333Asn; replaces lysine 333 with asparagine.
Molecular consequence: missense variant. On other transcripts: non-coding transcript variant (7).
Genome position (GRCh38, 1-based): chr1:45,331,764, C>G on the plus strand (G>C on the coding strand, the complement: MUTYH is on the minus strand). VCF-style: chr1-45331764-C-G. GRCh37 (hg19) VCF-style: chr1-45797436-C-G.
Other names: c.1041G>C, p.Lys347Asn (NM_001407085.1, NM_001407083.1); c.1002G>C, p.Lys334Asn (NM_001407086.1, NM_001407078.1, NM_001048172.2 and 1 more transcripts); c.1020G>C, p.Lys340Asn (NM_001407087.1); c.999G>C, p.Lys333Asn (NM_001407088.1, NM_001407089.1, NM_001407081.1 and 6 more transcripts); c.723G>C, p.Lys241Asn (NM_001407091.1, NM_001293192.2, NM_001293196.2); c.1074G>C, p.Lys358Asn (NM_012222.3); c.960G>C, p.Lys320Asn (NM_001407079.1); c.957G>C, p.Lys319Asn (NM_001407080.1); and 5 more; short protein forms K241N, K319N, K320N, K344N, K333N, K348N, K361N, K334N.
Identifiers: ClinVar variation 4112996 (VCV004112996.1).
Genomic context (GRCh38, chr1:45,331,764, plus strand): 5'-CCCAGGCTGTTCCAGAACACAGGTGGCAGAGCTCTCCTCCCTGGGGGGCTTGCGGCTGGC[C>G]TTTCTGGGGAAGTTGACCACTCCCAGGGTCTGGTCCCAGGGCTCCGAGGGAGGCAGGCAC-3'
Protein context (NP_001041639.1, residues 323-343): QTLGVVNFPR[Lys333Asn]ASRKPPREES